The following is an entry in ClinVar:

ClinVar aggregate classification (germline): Uncertain significance (1 of 4 stars; one submission).

Conditions:
Danon disease. Also called: PSEUDOGLYCOGENOSIS II; GSD IIb; LYSOSOMAL GLYCOGEN STORAGE DISEASE WITHOUT ACID MALTASE DEFICIENCY; Glycogen Storage Disease Type IIb; ANTOPOL DISEASE. Identifiers: Orphanet 34587, MedGen C0878677, MONDO:0010281, OMIM 300257.

Submission:

Labcorp Genetics (formerly Invitae), Labcorp
Classification: Uncertain significance for Danon disease. Last evaluated: 2018-10-06. Review status: criteria provided, single submitter. Criteria: Invitae Variant Classification Sherloc (09022015). Collection method: clinical testing. Allele origin: germline.
Comment: This sequence change replaces aspartic acid with glycine at codon 246 of the LAMP2 protein (p.Asp246Gly). The aspartic acid residue is weakly conserved and there is a moderate physicochemical difference between aspartic acid and glycine. This variant is not present in population databases (ExAC no frequency). This variant has been reported in individuals in the Leiden Open-source Variation Database (PMID: 21520333). Algorithms developed to predict the effect of missense changes on protein structure and function (SIFT, PolyPhen-2, Align-GVGD) all suggest that this variant is likely to be tolerated, but these predictions have not been confirmed by published functional studies and their clinical significance is uncertain. Algorithms developed to predict the effect of sequence changes on RNA splicing suggest that this variant may create or strengthen a splice site, but this prediction has not been confirmed by published transcriptional studies. In summary, the available evidence is currently insufficient to determine the role of this variant in disease. Therefore, it has been classified as a Variant of Uncertain Significance.

Literature cited by the submitters: PubMed 21520333.

NM_002294.3(LAMP2):c.737A>G (p.Asp246Gly)

Gene: LAMP2 (lysosome associated membrane protein 2; minus strand). Cytogenetic location: Xq24.
Variant type: single nucleotide variant.
Coding change: c.737A>G on transcript NM_002294.3 (MANE Select); coding-DNA position 737, A replaced by G.
Protein change: p.Asp246Gly; replaces aspartic acid 246 with glycine.
Molecular consequence: missense variant.
Genome position (GRCh38, 1-based): chrX:120,447,845, T>C on the plus strand (A>G on the coding strand, the complement: LAMP2 is on the minus strand). VCF-style: chrX-120447845-T-C. GRCh37 (hg19) VCF-style: chrX-119581700-T-C.
Other names: c.737A>G, p.Asp246Gly (NM_001122606.1, NM_013995.2); short protein forms D246G.
Identifiers: ClinVar variation 180873 (VCV000180873.8), dbSNP rs730880482, ClinGen allele CA333654.
Genomic context (GRCh38, chrX:120,447,845, plus strand): 5'-GCAATATTTGAAATGAAATGCAAAAAGGATGTATTGATAAAGATAGACACCTATACCTTA[T>C]CCTGAGTGATGTTCAGCTGCAGCCCCATGGTAGCCAGCAGACAAGTATCATTGCCATTAT-3'
Protein context (NP_002285.1, residues 236-256): TMGLQLNITQ[Asp246Gly]KVASVININP